The following is an entry in ClinVar:

NM_001370259.2(MEN1):c.130G>C (p.Val44Leu)

Gene: MEN1 (menin 1; minus strand). Cytogenetic location: 11q13.1.
Variant type: single nucleotide variant.
Coding change: c.130G>C on transcript NM_001370259.2 (MANE Select); coding-DNA position 130, G replaced by C.
Protein change: p.Val44Leu; replaces valine 44 with leucine.
Molecular consequence: missense variant. On other transcripts: non-coding transcript variant (4).
Genome position (GRCh38, 1-based): chr11:64,809,980, C>G on the plus strand (G>C on the coding strand, the complement: MEN1 is on the minus strand). VCF-style: chr11-64809980-C-G. GRCh37 (hg19) VCF-style: chr11-64577452-C-G.
Other names: c.130G>C, p.Val44Leu (NM_000244.4, NM_001370251.2, NM_001370260.2 and 20 more transcripts); short protein forms V44L.
Identifiers: ClinVar variation 5024280 (VCV005024280.1).
Genomic context (GRCh38, chr11:64,809,980, plus strand): 5'-GGAAGGTGAGCTCGGGAACGTTGGTAGGGATGACGCGGTTGACAGCCAGAAAATGCTCCA[C>G]GAAGCCCAGCACCAAGGAAAGGAGCACCAGGTCCGGCTCCTCTCGGCCCAGCTCGGCAGC-3'
Protein context (NP_001357188.2, residues 34-54): LVLLSLVLGF[Val44Leu]EHFLAVNRVI

ClinVar aggregate classification (germline): Uncertain significance (1 of 4 stars; one submission).

Conditions:
Hereditary cancer-predisposing syndrome. Also called: Neoplastic Syndromes, Hereditary; Tumor predisposition; Hereditary neoplastic syndrome; Hereditary Cancer Syndrome. Identifiers: Orphanet 140162, MedGen C0027672, MeSH D009386, MONDO:0015356.

Submission:

Ambry Genetics
Classification: Uncertain significance for Hereditary cancer-predisposing syndrome. Last evaluated: 2026-07-06. Review status: criteria provided, single submitter. Criteria: Ambry Variant Classification Scheme 2023. Collection method: clinical testing. Allele origin: germline.
Comment: The p.V44L variant (also known as c.130G>C), located in coding exon 1 of the MEN1 gene, results from a G to C substitution at nucleotide position 130. The valine at codon 44 is replaced by leucine, an amino acid with highly similar properties. This amino acid position is conserved. In addition, this alteration is predicted to be deleterious by in silico analysis. Based on the available evidence, the clinical significance of this variant remains unclear.